The following is an entry in ClinVar:

NM_013447.4(ADGRE2):c.1940T>A (p.Met647Lys)

Gene: ADGRE2 (adhesion G protein-coupled receptor E2; minus strand). Cytogenetic location: 19p13.12.
Variant type: single nucleotide variant.
Coding change: c.1940T>A on transcript NM_013447.4 (MANE Select); coding-DNA position 1940, T replaced by A.
Protein change: p.Met647Lys; replaces methionine 647 with lysine.
Molecular consequence: missense variant.
Genome position (GRCh38, 1-based): chr19:14,751,520, A>T on the plus strand (T>A on the coding strand, the complement: ADGRE2 is on the minus strand). VCF-style: chr19-14751520-A-T. GRCh37 (hg19) VCF-style: chr19-14862332-A-T.
Other names: c.1940T>A (NM_013447.3); c.1766T>A, p.Met589Lys (NM_001271052.1); c.1793T>A, p.Met598Lys (NM_152916.2); c.1661T>A, p.Met554Lys (NM_152917.2); short protein forms M554K, M598K, M647K, M589K.
Identifiers: ClinVar variation 2052343 (VCV002052343.6), dbSNP rs374518362, ClinGen allele CA9257556.

ClinVar aggregate classification (germline): Likely benign. Review status: criteria provided, single submitter (1 of 4 stars). 2 submissions from 2 submitters: Likely benign (1). 1 of the submissions does not count toward it. Last evaluated 2026-01-25.

Conditions:
ADGRE2-related disorder. Also called: ADGRE2-related condition.

Allele frequency attached by ClinVar (database versions not stated): ExAC 0.00071; 1000 Genomes Project 30x 0.00375; 1000 Genomes Project 0.00439.
gnomAD v4.1: 585 of 1,614,138 alleles (0.036%); highest among the groups gnomAD compares: South Asian, 0.5%; 9 homozygotes.

Submissions (2):

Labcorp Genetics (formerly Invitae), Labcorp
Classification: Likely benign. Last evaluated: 2026-01-25. Review status: criteria provided, single submitter. Criteria: Invitae Variant Classification Sherloc (09022015). Collection method: clinical testing. Allele origin: germline.

PreventionGenetics, part of Exact Sciences
Classification: Benign for ADGRE2-related condition. Last evaluated: 2020-08-11. Review status: no assertion criteria provided. Collection method: clinical testing. Allele origin: germline. Not counted in ClinVar's aggregate classification.
Comment: This variant is classified as benign based on ACMG/AMP sequence variant interpretation guidelines (Richards et al. 2015 PMID: 25741868, with internal and published modifications).